The following is an entry in ClinVar:

ClinVar aggregate classification (germline): Uncertain significance (1 of 4 stars; one submission).

Conditions:
Hereditary breast ovarian cancer syndrome. Also called: BRCA1- and BRCA2-Associated Hereditary Breast and Ovarian Cancer; Hereditary breast and ovarian cancer syndrome (HBOC); Hereditary breast and/or ovarian cancer syndrome; Hereditary breast and ovarian cancer syndrome; Hereditary breast and ovarian cancer; Breast and ovarian cancer. Identifiers: Orphanet 145, MedGen C0677776, MeSH D061325, MONDO:0003582. Disease mechanism: loss of function.

Submission:

Labcorp Genetics (formerly Invitae), Labcorp
Classification: Uncertain significance for Hereditary breast ovarian cancer syndrome. Last evaluated: 2024-03-07. Review status: criteria provided, single submitter. Criteria: Invitae Variant Classification Sherloc (09022015). Collection method: clinical testing. Allele origin: germline.
Comment: This sequence change replaces arginine, which is basic and polar, with glycine, which is neutral and non-polar, at codon 2896 of the BRCA2 protein (p.Arg2896Gly). This variant is not present in population databases (gnomAD no frequency). This variant has not been reported in the literature in individuals affected with BRCA2-related conditions. ClinVar contains an entry for this variant (Variation ID: 1718140). Advanced modeling of protein sequence and biophysical properties (such as structural, functional, and spatial information, amino acid conservation, physicochemical variation, residue mobility, and thermodynamic stability) performed at Invitae indicates that this missense variant is not expected to disrupt BRCA2 protein function with a negative predictive value of 95%. In summary, the available evidence is currently insufficient to determine the role of this variant in disease. Therefore, it has been classified as a Variant of Uncertain Significance.

NM_000059.4(BRCA2):c.8686C>G (p.Arg2896Gly)

Gene: BRCA2 (BRCA2 DNA repair associated; plus strand). Cytogenetic location: 13q13.1.
Variant type: single nucleotide variant.
Coding change: c.8686C>G on transcript NM_000059.4 (MANE Select); coding-DNA position 8686, C replaced by G.
Protein change: p.Arg2896Gly; replaces arginine 2896 with glycine.
Molecular consequence: missense variant.
Genome position (GRCh38, 1-based): chr13:32,376,723, C>G. VCF-style: chr13-32376723-C-G. GRCh37 (hg19) VCF-style: chr13-32950860-C-G.
Other names: c.8590C>G, p.Arg2864Gly (NM_001406719.1); c.8686C>G, p.Arg2896Gly (NM_001406720.1); c.3754C>G, p.Arg1252Gly (NM_001406721.1); c.2269C>G, p.Arg757Gly (NM_001406722.1); short protein forms R1252G, R2864G, R2896G, R757G.
Identifiers: ClinVar variation 1718140 (VCV001718140.6), dbSNP rs373203204, ClinGen allele CA387754794.